The following is an entry in ClinVar:

ClinVar aggregate classification (germline): Conflicting classifications of pathogenicity. Review status: criteria provided, conflicting classifications (1 of 4 stars). 2 submissions from 2 submitters: Uncertain significance (1); Likely benign (1). Last evaluated 2024-03-05.

Allele frequency attached by ClinVar (database versions not stated): gnomAD exomes 0.00001 and 0.00003; gnomAD 0.00002; TOPMed 0.00002; ExAC 0.00003.
gnomAD v4.1: 21 of 1,612,632 alleles (0.0013%); highest among the groups gnomAD compares: Non-Finnish European, 0.0017%; no homozygotes.

Submissions (2):

Blueprint Genetics
Classification: Likely benign. Last evaluated: 2024-03-05. Review status: criteria provided, single submitter. Criteria: ACMG Guidelines, 2015. Collection method: clinical testing. Allele origin: germline.

Labcorp Genetics (formerly Invitae), Labcorp
Classification: Uncertain significance. Last evaluated: 2021-12-16. Review status: criteria provided, single submitter. Criteria: Invitae Variant Classification Sherloc (09022015). Collection method: clinical testing. Allele origin: germline.
Comment: In summary, the available evidence is currently insufficient to determine the role of this variant in disease. Therefore, it has been classified as a Variant of Uncertain Significance. Variants that disrupt the consensus splice site are a relatively common cause of aberrant splicing (PMID: 17576681, 9536098). Algorithms developed to predict the effect of sequence changes on RNA splicing suggest that this variant is not likely to affect RNA splicing. ClinVar contains an entry for this variant (Variation ID: 851872). This variant has not been reported in the literature in individuals affected with TUBGCP6-related conditions. This variant is present in population databases (rs747843872, gnomAD 0.006%). This sequence change falls in intron 1 of the TUBGCP6 gene. It does not directly change the encoded amino acid sequence of the TUBGCP6 protein. It affects a nucleotide within the consensus splice site.

Literature cited by the submitters: PubMed 17576681 (cited by Labcorp Genetics (formerly Invitae), Labcorp); PubMed 9536098 (cited by Labcorp Genetics (formerly Invitae), Labcorp).

NM_020461.4(TUBGCP6):c.742-3C>T

Gene: TUBGCP6 (tubulin gamma complex component 6; minus strand). Cytogenetic location: 22q13.33.
Variant type: single nucleotide variant.
Coding change: c.742-3C>T on transcript NM_020461.4 (MANE Select); 3 bases into the intron before coding-DNA position 742, C replaced by T.
Molecular consequence: intron variant.
Genome position (GRCh38, 1-based): chr22:50,240,370, G>A on the plus strand (C>T on the coding strand, the complement: TUBGCP6 is on the minus strand). VCF-style: chr22-50240370-G-A. GRCh37 (hg19) VCF-style: chr22-50678799-G-A.
Identifiers: ClinVar variation 851872 (VCV000851872.6), dbSNP rs747843872, ClinGen allele CA10308952.